The following is an entry in ClinVar:

NM_182641.4(BPTF):c.3674A>T (p.Asp1225Val)

Gene: BPTF (bromodomain PHD finger transcription factor; plus strand). Cytogenetic location: 17q24.2.
Variant type: single nucleotide variant.
Coding change: c.3674A>T on transcript NM_182641.4 (MANE Select); coding-DNA position 3674, A replaced by T.
Protein change: p.Asp1225Val; replaces aspartic acid 1225 with valine.
Molecular consequence: missense variant.
Genome position (GRCh38, 1-based): chr17:67,911,558, A>T. VCF-style: chr17-67911558-A-T. GRCh37 (hg19) VCF-style: chr17-65907674-A-T.
Other names: c.3863A>T, p.Asp1288Val (NM_001439139.1, NM_001439141.1, NM_001439143.1 and 1 more transcripts); c.4052A>T, p.Asp1351Val (NM_001439140.1, NM_001439142.1, NM_004459.7); short protein forms D1225V, D1288V, D1351V.
Identifiers: ClinVar variation 4768099 (VCV004768099.1).
Genomic context (GRCh38, chr17:67,911,558, plus strand): 5'-AGAGTAAAACAAAAGGAAATGATTTTTTCATCGATGACTCTAAACTAGCCAGTGCAGATG[A>T]TATTGGTACTTTGATCTGTAAGAACAAAAAACCGCTCATACAGGAGGAAAGTGACACCAT-3'
Protein context (NP_872579.2, residues 1215-1235): IDDSKLASAD[Asp1225Val]IGTLICKNKK

ClinVar aggregate classification (germline): Uncertain significance (1 of 4 stars; one submission).

gnomAD v4.1: 28 of 1,614,144 alleles (0.0017%); highest among the groups gnomAD compares: South Asian, 0.031%; 1 homozygote.

Submission:

Labcorp Genetics (formerly Invitae), Labcorp
Classification: Uncertain significance. Last evaluated: 2025-08-07. Review status: criteria provided, single submitter. Criteria: Invitae Variant Classification Sherloc (09022015). Collection method: clinical testing. Allele origin: germline.
Comment: This sequence change replaces aspartic acid, which is acidic and polar, with valine, which is neutral and non-polar, at codon 1351 of the BPTF protein (p.Asp1351Val). This variant is present in population databases (rs781554427, gnomAD 0.03%). This variant has not been reported in the literature in individuals affected with BPTF-related conditions. An algorithm developed to predict the effect of missense changes on protein structure and function (PolyPhen-2) suggests that this variant is likely to be tolerated. In summary, the available evidence is currently insufficient to determine the role of this variant in disease. Therefore, it has been classified as a Variant of Uncertain Significance.